The following is an entry in ClinVar:

NM_000179.3(MSH6):c.2522G>A (p.Arg841Lys)

Gene: MSH6 (mutS homolog 6; plus strand). Cytogenetic location: 2p16.3.
Variant type: single nucleotide variant.
Coding change: c.2522G>A on transcript NM_000179.3 (MANE Select); coding-DNA position 2522, G replaced by A.
Protein change: p.Arg841Lys; replaces arginine 841 with lysine.
Molecular consequence: missense variant. On other transcripts: non-coding transcript variant (5), intron variant (3).
Genome position (GRCh38, 1-based): chr2:47,800,505, G>A. VCF-style: chr2-47800505-G-A. GRCh37 (hg19) VCF-style: chr2-48027644-G-A.
Other names: c.2132G>A, p.Arg711Lys (NM_001281492.2); c.1616G>A, p.Arg539Lys (NM_001281493.2, NM_001281494.2, NM_001406811.1 and 6 more transcripts); c.2618G>A, p.Arg873Lys (NM_001406795.1, NM_001406802.1); c.2522G>A, p.Arg841Lys (NM_001406796.1, NM_001406798.1, NM_001406800.1 and 2 more transcripts); c.2225G>A, p.Arg742Lys (NM_001406797.1, NM_001406801.1, NM_001406805.1 and 10 more transcripts); c.1997G>A, p.Arg666Lys (NM_001406799.1, NM_001406806.1, NM_001406807.1); c.2444G>A, p.Arg815Lys (NM_001406804.1); c.2528G>A, p.Arg843Lys (NM_001406813.1); and 4 more; short protein forms R539K, R666K, R711K, R742K, R785K, R815K, R841K, R843K.
Identifiers: ClinVar variation 4759149 (VCV004759149.1).
Genomic context (GRCh38, chr2:47,800,505, plus strand): 5'-TACTCAGTAAAATTCATAATGTTGGGTCTCCCCTGAAGAGTCAGAACCACCCAGACAGCA[G>A]GGCTATAATGTATGAAGAAACTACATACAGCAAGAAGAAGATTATTGATTTTCTTTCTGC-3'
Protein context (NP_000170.1, residues 831-851): PLKSQNHPDS[Arg841Lys]AIMYEETTYS

ClinVar aggregate classification (germline): Uncertain significance (1 of 4 stars; one submission).

Conditions:
Hereditary cancer-predisposing syndrome. Also called: Neoplastic Syndromes, Hereditary; Hereditary neoplastic syndrome; Tumor predisposition; Hereditary Cancer Syndrome. Identifiers: Orphanet 140162, MedGen C0027672, MeSH D009386, MONDO:0015356.

gnomAD v4.1: 1 of 1,612,776 alleles (0.000062%); highest among the groups gnomAD compares: South Asian, 0.0011%; no homozygotes.

Submission:

Color Diagnostics, LLC DBA Color Health
Classification: Uncertain significance for Hereditary cancer-predisposing syndrome. Last evaluated: 2025-08-13. Review status: criteria provided, single submitter. Criteria: ACMG Guidelines, 2015. Collection method: clinical testing. Allele origin: germline.
Comment: This missense variant replaces arginine with lysine at codon 841 of the MSH6 protein. Computational prediction suggests that this variant may have deleterious impact on protein structure and function. To our knowledge, functional studies have not been reported for this variant. This variant has not been reported in individuals affected with MSH6-related disorders in the literature. This variant has not been identified in the general population by the Genome Aggregation Database (gnomAD). The available evidence is insufficient to determine the role of this variant in disease conclusively. Therefore, this variant is classified as a Variant of Uncertain Significance.